The following is an entry in ClinVar:

NM_001109878.2(TBX22):c.976A>T (p.Thr326Ser)

Gene: TBX22 (T-box transcription factor 22). Cytogenetic location: Xq21.1.
Variant type: single nucleotide variant.
Coding change: c.976A>T on transcript NM_001109878.2 (MANE Select); coding-DNA position 976, A replaced by T.
Protein change: p.Thr326Ser; replaces threonine 326 with serine.
Molecular consequence: missense variant.
Genome position (GRCh38, 1-based): chrX:80,030,524, A>T. VCF-style: chrX-80030524-A-T. GRCh37 (hg19) VCF-style: chrX-79286023-A-T.
Other names: c.616A>T, p.Thr206Ser (NM_001109879.2, NM_001303475.1); c.976A>T, p.Thr326Ser (NM_016954.2); short protein forms T206S, T326S.
Identifiers: ClinVar variation 3900822 (VCV003900822.1).

ClinVar aggregate classification (germline): Uncertain significance (1 of 4 stars; one submission).

gnomAD v4.1: 15 of 1,208,389 alleles (0.0012%); highest among the groups gnomAD compares: Admixed American, 0.0044%; no homozygotes.

Submission:

GeneDx
Classification: Uncertain significance. Last evaluated: 2024-11-26. Review status: criteria provided, single submitter. Criteria: GeneDx Variant Classification Process June 2021. Collection method: clinical testing. Allele origin: germline. Affected: yes.
Comment: Not observed at significant frequency in large population cohorts (gnomAD); In silico analysis indicates that this missense variant does not alter protein structure/function; Has not been previously published as pathogenic or benign to our knowledge